The following is an entry in ClinVar:

ClinVar aggregate classification (germline): Uncertain significance (1 of 4 stars; one submission).

Conditions:
Neurofibromatosis, type 1 (NF1). Also called: VON RECKLINGHAUSEN DISEASE; Neurofibromatosis, type I; NEUROFIBROMATOSIS, TYPE I, SOMATIC; Peripheral type neurofibromatosis. Identifiers: Orphanet 636, MedGen C0027831, MONDO:0018975, OMIM 162200. Disease mechanism: loss of function.

Submission:

Labcorp Genetics (formerly Invitae), Labcorp
Classification: Uncertain significance for Neurofibromatosis, type 1. Last evaluated: 2021-04-26. Review status: criteria provided, single submitter. Criteria: Invitae Variant Classification Sherloc (09022015). Collection method: clinical testing. Allele origin: germline.
Comment: In summary, the available evidence is currently insufficient to determine the role of this variant in disease. Therefore, it has been classified as a Variant of Uncertain Significance. Advanced modeling of protein sequence and biophysical properties (such as structural, functional, and spatial information, amino acid conservation, physicochemical variation, residue mobility, and thermodynamic stability) performed at Invitae indicates that this missense variant is not expected to disrupt NF1 protein function. This variant has not been reported in the literature in individuals with NF1-related conditions. This variant is not present in population databases (ExAC no frequency). This sequence change replaces valine with isoleucine at codon 351 of the NF1 protein (p.Val351Ile). The valine residue is moderately conserved and there is a small physicochemical difference between valine and isoleucine.

NM_001042492.3(NF1):c.1051G>A (p.Val351Ile)

Gene: NF1 (neurofibromin 1; plus strand). Cytogenetic location: 17q11.2.
Variant type: single nucleotide variant.
Coding change: c.1051G>A on transcript NM_001042492.3 (MANE Select); coding-DNA position 1051, G replaced by A.
Protein change: p.Val351Ile; replaces valine 351 with isoleucine.
Molecular consequence: missense variant.
Genome position (GRCh38, 1-based): chr17:31,200,584, G>A. VCF-style: chr17-31200584-G-A. GRCh37 (hg19) VCF-style: chr17-29527602-G-A.
Other names: c.1051G>A, p.Val351Ile (NM_000267.4, NM_001128147.3); short protein forms V351I.
Identifiers: ClinVar variation 1390903 (VCV001390903.8), dbSNP rs1597681173, ClinGen allele CA398996510.